The following is an entry in ClinVar:

ClinVar aggregate classification (germline): Uncertain significance. Review status: criteria provided, multiple submitters, no conflicts (2 of 4 stars). 2 submissions from 2 submitters: Uncertain significance (2). Last evaluated 2025-05-21.

Conditions:
Hereditary cancer-predisposing syndrome. Also called: Hereditary neoplastic syndrome; Neoplastic Syndromes, Hereditary; Hereditary Cancer Syndrome; Tumor predisposition. Identifiers: Orphanet 140162, MedGen C0027672, MeSH D009386, MONDO:0015356.
Peutz-Jeghers syndrome (PJS). Also called: Peutz-Jeghers polyposis; Periorificial lentiginosis syndrome; POLYPOSIS, HAMARTOMATOUS INTESTINAL; POLYPS-AND-SPOTS SYNDROME. Identifiers: Orphanet 2869, MedGen C0031269, MeSH D010580, MONDO:0008280, OMIM 175200.

Submissions (2):

Ambry Genetics
Classification: Uncertain significance for Hereditary cancer-predisposing syndrome. Last evaluated: 2025-05-21. Review status: criteria provided, single submitter. Criteria: Ambry Variant Classification Scheme 2023. Collection method: clinical testing. Allele origin: germline.
Comment: The p.C158Y variant (also known as c.473G>A), located in coding exon 4 of the STK11 gene, results from a G to A substitution at nucleotide position 473. The cysteine at codon 158 is replaced by tyrosine, an amino acid with highly dissimilar properties. This amino acid position is conserved. In addition, the in silico prediction for this alteration is inconclusive. Based on the available evidence, the clinical significance of this variant remains unclear.

Labcorp Genetics (formerly Invitae), Labcorp
Classification: Uncertain significance for Peutz-Jeghers syndrome. Last evaluated: 2018-05-22. Review status: criteria provided, single submitter. Criteria: Invitae Variant Classification Sherloc (09022015). Collection method: clinical testing. Allele origin: germline.
Comment: This sequence change replaces cysteine with tyrosine at codon 158 of the STK11 protein (p.Cys158Tyr). The cysteine residue is moderately conserved and there is a large physicochemical difference between cysteine and tyrosine. In summary, the available evidence is currently insufficient to determine the role of this variant in disease. Therefore, it has been classified as a Variant of Uncertain Significance. Algorithms developed to predict the effect of missense changes on protein structure and function are either unavailable or do not agree on the potential impact of this missense change (SIFT: "Tolerated"; PolyPhen-2: "Probably Damaging"; Align-GVGD: "Class C0"). This variant has not been reported in the literature in individuals with STK11-related disease. This variant is not present in population databases (ExAC no frequency).

NM_000455.5(STK11):c.473G>A (p.Cys158Tyr)

Gene: STK11 (serine/threonine kinase 11; plus strand). Cytogenetic location: 19p13.3.
Variant type: single nucleotide variant.
Coding change: c.473G>A on transcript NM_000455.5 (MANE Select); coding-DNA position 473, G replaced by A.
Protein change: p.Cys158Tyr; replaces cysteine 158 with tyrosine.
Molecular consequence: missense variant.
Genome position (GRCh38, 1-based): chr19:1,220,381, G>A. VCF-style: chr19-1220381-G-A. GRCh37 (hg19) VCF-style: chr19-1220380-G-A.
Other names: short protein forms C158Y.
Identifiers: ClinVar variation 571305 (VCV000571305.9), dbSNP rs1568707502, ClinGen allele CA402948801.